The following is an entry in ClinVar:

NM_198576.4(AGRN):c.3236G>T (p.Gly1079Val)

Gene: AGRN (agrin; plus strand). Cytogenetic location: 1p36.33.
Variant type: single nucleotide variant.
Coding change: c.3236G>T on transcript NM_198576.4 (MANE Select); coding-DNA position 3236, G replaced by T.
Protein change: p.Gly1079Val; replaces glycine 1079 with valine.
Molecular consequence: missense variant.
Genome position (GRCh38, 1-based): chr1:1,046,721, G>T. VCF-style: chr1-1046721-G-T. GRCh37 (hg19) VCF-style: chr1-982101-G-T.
Other names: c.3236G>T, p.Gly1079Val (NM_001305275.2); c.2921G>T, p.Gly974Val (NM_001364727.2); short protein forms G1079V, G974V.
Identifiers: ClinVar variation 1022579 (VCV001022579.9), dbSNP rs1399398380, ClinGen allele CA337847938.

ClinVar aggregate classification (germline): Uncertain significance (1 of 4 stars; one submission).

Conditions:
Congenital myasthenic syndrome 8. Also called: MYASTHENIC SYNDROME, CONGENITAL, DUE TO AGRIN DEFICIENCY; Myasthenic syndrome, congenital, 8, with pre- and postsynaptic defects. Identifiers: Orphanet 590, MedGen C3808739, MONDO:0014052, OMIM 615120.

Allele frequency attached by ClinVar (database versions not stated): gnomAD 0.00001; TOPMed 0.00002.

Submissions (2):

Labcorp Genetics (formerly Invitae), Labcorp
Classification: Uncertain significance for Congenital myasthenic syndrome 8. Last evaluated: 2020-06-01. Review status: criteria provided, single submitter. Criteria: Invitae Variant Classification Sherloc (09022015). Collection method: clinical testing. Allele origin: germline.
Comment: This sequence change replaces glycine with valine at codon 1079 of the AGRN protein (p.Gly1079Val). The glycine residue is highly conserved and there is a moderate physicochemical difference between glycine and valine. This variant is not present in population databases (ExAC no frequency). This variant has not been reported in the literature in individuals with AGRN-related conditions. Algorithms developed to predict the effect of missense changes on protein structure and function are either unavailable or do not agree on the potential impact of this missense change (SIFT: "Deleterious"; PolyPhen-2: "Possibly Damaging"; Align-GVGD: "Class C0"). Algorithms developed to predict the effect of sequence changes on RNA splicing suggest that this variant may create or strengthen a splice site, but this prediction has not been confirmed by published transcriptional studies. In summary, the available evidence is currently insufficient to determine the role of this variant in disease. Therefore, it has been classified as a Variant of Uncertain Significance.

Dr. Peter K. Rogan Lab, Western University
No classification provided (evidence only). Condition: Thyroid cancer, nonmedullary, 1. Review status: no classification provided. Collection method: in vitro. Allele origin: not applicable. Functional consequence: retained intron. Not counted in ClinVar's aggregate classification.